The following is an entry in ClinVar:

ClinVar aggregate classification (germline): Likely benign. Review status: criteria provided, multiple submitters, no conflicts (2 of 4 stars). 3 submissions from 3 submitters: Likely benign (3). Last evaluated 2025-11-17.

Conditions:
Familial thoracic aortic aneurysm and aortic dissection (TAAD). Also called: Thoracic aortic aneurysms and dissections. Identifiers: Orphanet 91387, MedGen C4707243, MONDO:0019625.
Melnick-Needles syndrome (MNS). Also called: MELNICK-NEEDLES OSTEODYSPLASTY; OSTEODYSPLASTY OF MELNICK AND NEEDLES; Melnick-Needles Syndrome (FLNA-MNS). Identifiers: Orphanet 2484, MedGen C0025237, MONDO:0010650, OMIM 309350.
Frontometaphyseal dysplasia (FMD1). Identifiers: Orphanet 1826, MedGen C0265293, MONDO:0015942.
Heterotopia, periventricular, X-linked dominant (PVNH1). Also called: PERIVENTRICULAR NODULAR HETEROTOPIA 1; PERIVENTRICULAR NODULAR HETEROTOPIA 4; HETEROTOPIA, PERIVENTRICULAR, 1; X-linked periventricular heterotopia. Identifiers: Orphanet 2149, Orphanet 82004, MedGen C1848213, MONDO:0010233, OMIM 300049.
Oto-palato-digital syndrome, type II (OPD2). Also called: Otopalatodigital Syndrome, Type II; FACIOPALATOOSSEOUS SYNDROME; OPD II SYNDROME; Otopalatodigital Syndrome Type 2 (FLNA-OPD2). Identifiers: Orphanet 669, Orphanet 90652, MedGen C1844696, MONDO:0010571, OMIM 304120.

Allele frequency attached by ClinVar (database versions not stated): ExAC 0.00001; gnomAD exomes 0.00002 and 0.00008; TOPMed 0.00016; gnomAD 0.00022 and 0.00023.
gnomAD v4.1: 44 of 1,210,147 alleles (0.0036%); highest among the groups gnomAD compares: Admixed American, 0.065%; no homozygotes.

Submissions (3):

Labcorp Genetics (formerly Invitae), Labcorp
Classification: Likely benign for Oto-palato-digital syndrome, type II; Heterotopia, periventricular, X-linked dominant; Frontometaphyseal dysplasia; Melnick-Needles syndrome. Last evaluated: 2025-11-17. Review status: criteria provided, single submitter. Criteria: Invitae Variant Classification Sherloc (09022015). Collection method: clinical testing. Allele origin: germline.

CeGaT Center for Human Genetics Tuebingen
Classification: Likely benign. Last evaluated: 2025-09-01. Review status: criteria provided, single submitter. Criteria: CeGaT Center For Human Genetics Tuebingen Variant Classification Criteria Version 2. Collection method: clinical testing. Allele origin: germline. Affected: yes. Observed: 1 variant allele.
Comment: FLNA: BS2

Ambry Genetics
Classification: Likely benign for Familial thoracic aortic aneurysm and aortic dissection. Last evaluated: 2019-06-10. Review status: criteria provided, single submitter. Criteria: Ambry Variant Classification Scheme 2023. Collection method: clinical testing. Allele origin: germline.

NM_001110556.2(FLNA):c.5865C>T (p.Asp1955=)

Gene: FLNA (filamin A; minus strand). Cytogenetic location: Xq28.
Variant type: single nucleotide variant.
Coding change: c.5865C>T on transcript NM_001110556.2 (MANE Select); coding-DNA position 5865, C replaced by T.
Protein change: p.Asp1955=; no amino-acid change (aspartic acid 1955 retained).
Molecular consequence: synonymous variant.
Genome position (GRCh38, 1-based): chrX:154,353,453, G>A on the plus strand (C>T on the coding strand, the complement: FLNA is on the minus strand). VCF-style: chrX-154353453-G-A. GRCh37 (hg19) VCF-style: chrX-153581821-G-A.
Other names: c.5841C>T, p.Asp1947= (NM_001456.4).
Identifiers: ClinVar variation 1630570 (VCV001630570.17), dbSNP rs782069439, ClinGen allele CA10560209.